The following is an entry in ClinVar:

NM_001379286.1(ZNF423):c.1176G>C (p.Pro392=)

Gene: ZNF423 (zinc finger protein 423; minus strand). Cytogenetic location: 16q12.1.
Variant type: single nucleotide variant.
Coding change: c.1176G>C on transcript NM_001379286.1 (MANE Select); coding-DNA position 1176, G replaced by C.
Protein change: p.Pro392=; no amino-acid change (proline 392 retained).
Molecular consequence: synonymous variant.
Genome position (GRCh38, 1-based): chr16:49,638,000, C>G on the plus strand (G>C on the coding strand, the complement: ZNF423 is on the minus strand). VCF-style: chr16-49638000-C-G. GRCh37 (hg19) VCF-style: chr16-49671911-C-G.
Other names: c.972G>C, p.Pro324= (NM_001271620.2); c.801G>C, p.Pro267= (NM_001330533.2); c.1152G>C, p.Pro384= (NM_015069.5); c.1152G>C (NM_015069.4).
Identifiers: ClinVar variation 743684 (VCV000743684.10), dbSNP rs748728165, ClinGen allele CA495445552.

ClinVar aggregate classification (germline): Likely benign. Review status: criteria provided, single submitter (1 of 4 stars). 2 submissions from 2 submitters: Likely benign (1). 1 of the submissions does not count toward it. Last evaluated 2025-11-25.

Conditions:
Nephronophthisis 14 (NPHP14). Identifiers: Orphanet 2318, MedGen C3539071, MONDO:0013916, OMIM 614844.
ZNF423-related disorder. Also called: ZNF423-related condition.

Allele frequency attached by ClinVar (database versions not stated): TOPMed 0.00001.
gnomAD v4.1: 9 of 1,613,950 alleles (0.00056%); highest among the groups gnomAD compares: Middle Eastern, 0.082%; no homozygotes.

Submissions (2):

Labcorp Genetics (formerly Invitae), Labcorp
Classification: Likely benign for Nephronophthisis 14. Last evaluated: 2025-11-25. Review status: criteria provided, single submitter. Criteria: Invitae Variant Classification Sherloc (09022015). Collection method: clinical testing. Allele origin: germline.

PreventionGenetics, part of Exact Sciences
Classification: Likely benign for ZNF423-related condition. Last evaluated: 2024-01-05. Review status: no assertion criteria provided. Collection method: clinical testing. Allele origin: germline. Not counted in ClinVar's aggregate classification.
Comment: This variant is classified as likely benign based on ACMG/AMP sequence variant interpretation guidelines (Richards et al. 2015 PMID: 25741868, with internal and published modifications).